The following is an entry in ClinVar:

ClinVar aggregate classification (germline): Benign (1 of 4 stars; one submission).

Allele frequency attached by ClinVar (database versions not stated): 1000 Genomes Project 30x 0.30746; 1000 Genomes Project 0.30891; TOPMed 0.40583; gnomAD 0.41552 and 0.42151.
gnomAD v4.1: 63,246 of 152,036 alleles (42%); highest among the groups gnomAD compares: Non-Finnish European, 50%; 14,052 homozygotes.

Submission:

GeneDx
Classification: Benign. Last evaluated: 2020-04-28. Review status: criteria provided, single submitter. Criteria: GeneDx Variant Classification Process June 2021. Collection method: clinical testing. Allele origin: germline. Affected: yes.
Comment: This variant is associated with the following publications: (PMID: 23328127)

NM_175061.4(JAZF1):c.115+30671A>G

Gene: JAZF1 (JAZF zinc finger 1; minus strand). Cytogenetic location: 7p15.1.
Variant type: single nucleotide variant.
Coding change: c.115+30671A>G on transcript NM_175061.4 (MANE Select); 30671 bases into the intron after coding-DNA position 115, A replaced by G.
Molecular consequence: intron variant.
Genome position (GRCh38, 1-based): chr7:28,149,792, T>C on the plus strand (A>G on the coding strand, the complement: JAZF1 is on the minus strand). VCF-style: chr7-28149792-T-C. GRCh37 (hg19) VCF-style: chr7-28189411-T-C.
Identifiers: ClinVar variation 1287219 (VCV001287219.1), dbSNP rs1635852, ClinGen allele CA12535310.